The following is an entry in ClinVar:

NM_005419.4(STAT2):c.132-7T>C

Gene: STAT2 (signal transducer and activator of transcription 2; minus strand). Cytogenetic location: 12q13.3.
Variant type: single nucleotide variant.
Coding change: c.132-7T>C on transcript NM_005419.4 (MANE Select); 7 bases into the intron before coding-DNA position 132, T replaced by C.
Molecular consequence: intron variant.
Genome position (GRCh38, 1-based): chr12:56,356,292, A>G on the plus strand (T>C on the coding strand, the complement: STAT2 is on the minus strand). VCF-style: chr12-56356292-A-G. GRCh37 (hg19) VCF-style: chr12-56750076-A-G.
Other names: c.132-7T>C (NM_001385110.1, NM_001385115.1, NM_198332.2 and 3 more transcripts).
Identifiers: ClinVar variation 1551235 (VCV001551235.22), dbSNP rs200338496, ClinGen allele CA6630939.

ClinVar aggregate classification (germline): Likely benign. Review status: criteria provided, multiple submitters, no conflicts (2 of 4 stars). 3 submissions from 3 submitters: Likely benign (3). Last evaluated 2025-06-29.

Conditions:
Primary immunodeficiency with post-measles-mumps-rubella vaccine viral infection. Also called: Immunodeficiency 44. Identifiers: Orphanet 431166, MedGen C4225260, MONDO:0014715, OMIM 616636.

Allele frequency attached by ClinVar (database versions not stated): ExAC 0.00003; gnomAD 0.00003; gnomAD exomes 0.00003 and 0.00004; TOPMed 0.00005.
gnomAD v4.1: 45 of 1,610,346 alleles (0.0028%); highest among the groups gnomAD compares: Middle Eastern, 0.016%; no homozygotes.

Submissions (3):

Labcorp Genetics (formerly Invitae), Labcorp
Classification: Likely benign for Primary immunodeficiency with post-measles-mumps-rubella vaccine viral infection. Last evaluated: 2025-06-29. Review status: criteria provided, single submitter. Criteria: Invitae Variant Classification Sherloc (09022015). Collection method: clinical testing. Allele origin: germline.

CeGaT Center for Human Genetics Tuebingen
Classification: Likely benign. Last evaluated: 2025-02-01. Review status: criteria provided, single submitter. Criteria: CeGaT Center For Human Genetics Tuebingen Variant Classification Criteria Version 2. Collection method: clinical testing. Allele origin: germline. Affected: yes. Observed: 1 variant allele.
Comment: STAT2: BP4

Blueprint Genetics
Classification: Likely benign. Last evaluated: 2024-11-21. Review status: criteria provided, single submitter. Criteria: ACMG Guidelines, 2015. Collection method: clinical testing. Allele origin: germline.